The following is an entry in ClinVar:

NM_002480.3(PPP1R12A):c.1824-4A>G

Gene: PPP1R12A (protein phosphatase 1 regulatory subunit 12A; minus strand). Cytogenetic location: 12q21.2.
Variant type: single nucleotide variant.
Coding change: c.1824-4A>G on transcript NM_002480.3 (MANE Select); 4 bases into the intron before coding-DNA position 1824, A replaced by G.
Molecular consequence: intron variant.
Genome position (GRCh38, 1-based): chr12:79,805,772, T>C on the plus strand (A>G on the coding strand, the complement: PPP1R12A is on the minus strand). VCF-style: chr12-79805772-T-C. GRCh37 (hg19) VCF-style: chr12-80199552-T-C.
Other names: c.1656-4A>G (NM_001244992.1); c.1824-4A>G (NM_001244990.2, NM_001143885.2); c.1563-4A>G (NM_001143886.2).
Identifiers: ClinVar variation 4989399 (VCV004989399.1).

ClinVar aggregate classification (germline): Likely benign (1 of 4 stars; one submission).

Conditions:
PPP1R12A-related disorder. Also called: PPP1R12A-related condition.

gnomAD v4.1: 4 of 1,608,226 alleles (0.00025%); highest among the groups gnomAD compares: Non-Finnish European, 0.00034%; no homozygotes.

Submission:

PreventionGenetics, part of Exact Sciences
Classification: Likely benign for PPP1R12A-related condition. Last evaluated: 2024-10-07. Review status: criteria provided, single submitter. Criteria: ACMG Guidelines, 2015. Collection method: clinical testing. Allele origin: germline.
Comment: This variant is classified as likely benign based on ACMG/AMP sequence variant interpretation guidelines (Richards et al. 2015 PMID: 25741868, with internal and published modifications).